The following is an entry in ClinVar:

ClinVar aggregate classification (germline): Conflicting classifications of pathogenicity. Review status: criteria provided, conflicting classifications (1 of 4 stars). 2 submissions from 2 submitters: Likely pathogenic (1); Uncertain significance (1). Last evaluated 2026-02-05.

Conditions:
Polycystic kidney disease, adult type (PKD1). Also called: Polycystic Kidney Disease 1, Autosomal Dominant; Polycystic kidney disease 1; Polycystic kidney disease 1, severe; Polycystic Kidney, Autosomal Dominant; POLYCYSTIC KIDNEY DISEASE 1 WITH OR WITHOUT POLYCYSTIC LIVER DISEASE; POLYCYSTIC KIDNEY DISEASE, ADULT, TYPE I. Identifiers: MedGen C3149841, MONDO:0008263, OMIM 173900.

Allele frequency attached by ClinVar (database versions not stated): gnomAD exomes below 0.00001.
gnomAD v4.1: 1 of 1,606,168 alleles (0.000062%); highest among the groups gnomAD compares: Non-Finnish European, 0.000085%; no homozygotes.

Submissions (2):

Victorian Clinical Genetics Services, Murdoch Childrens Research Institute
Classification: Likely pathogenic for Polycystic kidney disease, adult type. Last evaluated: 2026-02-05. Review status: criteria provided, single submitter. Criteria: ACMG Guidelines, 2015. Collection method: clinical testing. Allele origin: germline. Affected: yes.
Comment: This variant is classified as Likely pathogenic. Evidence in support of pathogenic classification: Variant is present in gnomAD <0.001 for a dominant condition (v4: 1 heterozygote(s), 0 homozygote(s)); This variant has previously been described as a variant of uncertain significance in multiple independent cases with consistent phenotype. This variant has been classified as a VUS by a diagnostic laboratory in ClinVar, and reported in the literature in ADPKD patients (PMIDs: 33437033, 33125268); This variant has limited evidence for segregation with disease (VCGS cohort). Additional information: Variant is predicted to result in a missense amino acid change from valine to alanine; This variant is heterozygous; This gene is associated with autosomal dominant disease. Polycystic kidney disease 1 (MIM#173900) is predominantly caused by monoallelic variants, with rare reports of biallelic variants causing disease (OMIM); No published functional evidence has been identified for this variant; No comparable missense variants have previous evidence for pathogenicity; Variant is not located in an established domain, motif, hotspot or informative constraint region; Missense variant with conflicting in silico predictions and uninformative conservation; Loss of function is a known mechanism of disease in this gene and is associated with polycystic kidney disease 1 (MIM#173900); Inheritance information for this variant is not currently available in this individual.

Molecular Genetics of Inherited Kidney Disorders Laboratory, Garvan Institute of Medical Research
Classification: Uncertain significance. Last evaluated: 2019-01-01. Review status: criteria provided, single submitter. Criteria: ACMG Guidelines, 2015. Collection method: clinical testing. Allele origin: germline. Affected: yes.

Literature cited by the submitters: PubMed 33437033 (cited by Victorian Clinical Genetics Services, Murdoch Childrens Research Institute); PubMed 33125268 (cited by Victorian Clinical Genetics Services, Murdoch Childrens Research Institute).

NM_001009944.3(PKD1):c.8543T>C (p.Val2848Ala)

Gene: PKD1 (polycystin 1, transient receptor potential channel interacting; minus strand). Cytogenetic location: 16p13.3.
Variant type: single nucleotide variant.
Coding change: c.8543T>C on transcript NM_001009944.3 (MANE Select); coding-DNA position 8543, T replaced by C.
Protein change: p.Val2848Ala; replaces valine 2848 with alanine.
Molecular consequence: missense variant.
Genome position (GRCh38, 1-based): chr16:2,103,514, A>G on the plus strand (T>C on the coding strand, the complement: PKD1 is on the minus strand). VCF-style: chr16-2103514-A-G. GRCh37 (hg19) VCF-style: chr16-2153515-A-G.
Other names: c.8543T>C, p.Val2848Ala (NM_000296.4); short protein forms V2848A.
Identifiers: ClinVar variation 972864 (VCV000972864.4), dbSNP rs2092191294, ClinGen allele CA394362784.
Genomic context (GRCh38, chr16:2,103,514, plus strand): 5'-GAGGCCAGCCGCTCGATGGGGATCTGGGCGCCGGCCTGTGTCTGGAATGCCATCGAGGCC[A>G]CCTTGGTGGAGACGGTGTAGTTGCTGATATAGCCAAAGGGAAAGGGATTGGAGTCCACCA-3'
Protein context (NP_001009944.3, residues 2838-2858): YISNYTVSTK[Val2848Ala]ASMAFQTQAG